The following is an entry in ClinVar:

ClinVar aggregate classification (germline): Uncertain significance. Review status: criteria provided, multiple submitters, no conflicts (2 of 4 stars). 3 submissions from 3 submitters: Uncertain significance (3). Last evaluated 2026-01-26.

Conditions:
Cardiovascular phenotype. Identifiers: MedGen CN230736.
Noonan syndrome 9 (NS9). Identifiers: Orphanet 648, MedGen C4225282, MONDO:0014691, OMIM 616559.

Allele frequency attached by ClinVar (database versions not stated): ExAC 0.00001; gnomAD exomes 0.00001; TOPMed 0.00002; gnomAD 0.00004 and 0.00005.
gnomAD v4.1: 20 of 1,611,010 alleles (0.0012%); highest among the groups gnomAD compares: Non-Finnish European, 0.0017%; no homozygotes.

Submissions (3):

Women's Health and Genetics/Laboratory Corporation of America, LabCorp
Classification: Uncertain significance. Last evaluated: 2026-01-26. Review status: criteria provided, single submitter. Criteria: LabCorp Variant Classification Summary - May 2015. Collection method: clinical testing. Allele origin: germline.

Labcorp Genetics (formerly Invitae), Labcorp
Classification: Uncertain significance for Noonan syndrome 9. Last evaluated: 2025-09-23. Review status: criteria provided, single submitter. Criteria: Invitae Variant Classification Sherloc (09022015). Collection method: clinical testing. Allele origin: germline.
Comment: This sequence change replaces valine, which is neutral and non-polar, with alanine, which is neutral and non-polar, at codon 869 of the SOS2 protein (p.Val869Ala). This variant is present in population databases (rs750095346, gnomAD 0.002%). This variant has not been reported in the literature in individuals affected with SOS2-related conditions. ClinVar contains an entry for this variant (Variation ID: 653106). Invitae Evidence Modeling of protein sequence and biophysical properties (such as structural, functional, and spatial information, amino acid conservation, physicochemical variation, residue mobility, and thermodynamic stability) has been performed for this missense variant. However, the output from this modeling did not meet the statistical confidence thresholds required to predict the impact of this variant on SOS2 protein function. In summary, the available evidence is currently insufficient to determine the role of this variant in disease. Therefore, it has been classified as a Variant of Uncertain Significance.

Ambry Genetics
Classification: Uncertain significance for Cardiovascular phenotype. Last evaluated: 2024-01-22. Review status: criteria provided, single submitter. Criteria: Ambry Variant Classification Scheme 2023. Collection method: clinical testing. Allele origin: germline.
Comment: The p.V869A variant (also known as c.2606T>C), located in coding exon 16 of the SOS2 gene, results from a T to C substitution at nucleotide position 2606. The valine at codon 869 is replaced by alanine, an amino acid with similar properties. This amino acid position is conserved. In addition, the in silico prediction for this alteration is inconclusive. Based on the available evidence, the clinical significance of this alteration remains unclear.

NM_006939.4(SOS2):c.2606T>C (p.Val869Ala)

Gene: SOS2 (SOS Ras/Rho guanine nucleotide exchange factor 2; minus strand). Cytogenetic location: 14q21.3.
Variant type: single nucleotide variant.
Coding change: c.2606T>C on transcript NM_006939.4 (MANE Select); coding-DNA position 2606, T replaced by C.
Protein change: p.Val869Ala; replaces valine 869 with alanine.
Molecular consequence: missense variant.
Genome position (GRCh38, 1-based): chr14:50,145,231, A>G on the plus strand (T>C on the coding strand, the complement: SOS2 is on the minus strand). VCF-style: chr14-50145231-A-G. GRCh37 (hg19) VCF-style: chr14-50611949-A-G.
Other names: short protein forms V869A.
Identifiers: ClinVar variation 653106 (VCV000653106.10), dbSNP rs750095346, ClinGen allele CA7177000.